The following is an entry in ClinVar:

ClinVar aggregate classification (germline): Uncertain significance (1 of 4 stars; one submission).

Conditions:
Mosaic variegated aneuploidy syndrome 2 (MVA2). Identifiers: Orphanet 1052, MedGen C3279843, MONDO:0013582, OMIM 614114.

Submission:

Labcorp Genetics (formerly Invitae), Labcorp
Classification: Uncertain significance for Mosaic variegated aneuploidy syndrome 2. Last evaluated: 2022-09-01. Review status: criteria provided, single submitter. Criteria: Invitae Variant Classification Sherloc (09022015). Collection method: clinical testing. Allele origin: germline.
Comment: This variant has not been reported in the literature in individuals affected with CEP57-related conditions. This variant is not present in population databases (gnomAD no frequency). This sequence change replaces valine, which is neutral and non-polar, with aspartic acid, which is acidic and polar, at codon 182 of the CEP57 protein (p.Val182Asp). Algorithms developed to predict the effect of missense changes on protein structure and function are either unavailable or do not agree on the potential impact of this missense change (SIFT: "Deleterious"; PolyPhen-2: "Probably Damaging"; Align-GVGD: "Class C0"). In summary, the available evidence is currently insufficient to determine the role of this variant in disease. Therefore, it has been classified as a Variant of Uncertain Significance.

NM_014679.5(CEP57):c.545T>A (p.Val182Asp)

Gene: CEP57 (centrosomal protein 57; plus strand). Cytogenetic location: 11q21.
Variant type: single nucleotide variant.
Coding change: c.545T>A on transcript NM_014679.5 (MANE Select); coding-DNA position 545, T replaced by A.
Protein change: p.Val182Asp; replaces valine 182 with aspartic acid.
Molecular consequence: missense variant.
Genome position (GRCh38, 1-based): chr11:95,817,827, T>A. VCF-style: chr11-95817827-T-A. GRCh37 (hg19) VCF-style: chr11-95550991-T-A.
Other names: c.518T>A, p.Val173Asp (NM_001243776.2); c.545T>A, p.Val182Asp (NM_001243777.2); c.464T>A, p.Val155Asp (NM_001363604.2); short protein forms V155D, V182D, V173D.
Identifiers: ClinVar variation 2132002 (VCV002132002.4), dbSNP rs2496255158, ClinGen allele CA382422802.